The following is an entry in ClinVar:

ClinVar aggregate classification (germline): Benign/Likely benign. Review status: criteria provided, multiple submitters, no conflicts (2 of 4 stars). 3 submissions from 3 submitters: Benign (1); Likely benign (2). Last evaluated 2024-04-29.

Conditions:
Hereditary cancer-predisposing syndrome. Also called: Tumor predisposition; Neoplastic Syndromes, Hereditary; Hereditary Cancer Syndrome; Hereditary neoplastic syndrome. Identifiers: Orphanet 140162, MedGen C0027672, MeSH D009386, MONDO:0015356.
Familial cancer of breast. Also called: BREAST CANCER, FAMILIAL; Hereditary breast cancer; hereditary breast carcinoma. Identifiers: Orphanet 227535, MedGen C0346153, MONDO:0016419, OMIM 114480. Disease mechanism: loss of function.
Ataxia-telangiectasia syndrome (AT). Also called: LOUIS-BAR SYNDROME; Cerebello-oculocutaneous telangiectasia; Immunodeficiency with ataxia telangiectasia; Ataxia-telangiectasia, complementation group D; AT, COMPLEMENTATION GROUP C; ATAXIA-TELANGIECTASIA, COMPLEMENTATION GROUP A. Identifiers: Orphanet 100, MedGen C0004135, MONDO:0008840, OMIM 208900.

Allele frequency attached by ClinVar (database versions not stated): gnomAD exomes below 0.00001.
gnomAD v4.1: 2 of 1,614,186 alleles (0.00012%); highest among the groups gnomAD compares: Non-Finnish European, 0.00017%; no homozygotes.

Submissions (3):

Myriad Genetics, Inc.
Classification: Benign for Familial cancer of breast. Last evaluated: 2024-04-29. Review status: criteria provided, single submitter. Criteria: Myriad Autosomal Dominant, Autosomal Recessive and X-Linked Classification Criteria (2023). Collection method: clinical testing. Allele origin: unknown.
Comment: This variant is considered benign. This variant is a silent/synonymous amino acid change and it is not expected to impact splicing.

Labcorp Genetics (formerly Invitae), Labcorp
Classification: Likely benign for Ataxia-telangiectasia syndrome. Last evaluated: 2024-04-24. Review status: criteria provided, single submitter. Criteria: Invitae Variant Classification Sherloc (09022015). Collection method: clinical testing. Allele origin: germline.

Ambry Genetics
Classification: Likely benign for Hereditary cancer-predisposing syndrome. Last evaluated: 2022-08-30. Review status: criteria provided, single submitter. Criteria: Ambry Variant Classification Scheme 2023. Collection method: clinical testing. Allele origin: germline.

NM_000051.4(ATM):c.1441T>C (p.Leu481=)

Gene: ATM (ATM serine/threonine kinase; plus strand). Cytogenetic location: 11q22.3.
Variant type: single nucleotide variant.
Coding change: c.1441T>C on transcript NM_000051.4 (MANE Select); coding-DNA position 1441, T replaced by C.
Protein change: p.Leu481=; no amino-acid change (leucine 481 retained).
Molecular consequence: synonymous variant.
Genome position (GRCh38, 1-based): chr11:108,250,906, T>C. VCF-style: chr11-108250906-T-C. GRCh37 (hg19) VCF-style: chr11-108121633-T-C.
Other names: c.1441T>C, p.Leu481= (NM_001351834.2).
Identifiers: ClinVar variation 1772718 (VCV001772718.8), dbSNP rs775080283, ClinGen allele CA476744836.